The following is an entry in ClinVar:

NM_003383.5(VLDLR):c.1166T>C (p.Ile389Thr)

Gene: VLDLR (very low density lipoprotein receptor; plus strand). Cytogenetic location: 9p24.2.
Variant type: single nucleotide variant.
Coding change: c.1166T>C on transcript NM_003383.5 (MANE Select); coding-DNA position 1166, T replaced by C.
Protein change: p.Ile389Thr; replaces isoleucine 389 with threonine.
Molecular consequence: missense variant.
Genome position (GRCh38, 1-based): chr9:2,644,833, T>C. VCF-style: chr9-2644833-T-C. GRCh37 (hg19) VCF-style: chr9-2644833-T-C.
Other names: c.1166T>C, p.Ile389Thr (NM_001018056.3); c.1043T>C, p.Ile348Thr (NM_001322225.2, NM_001322226.2); c.1166T>C (NM_003383.3); short protein forms I348T, I389T.
Identifiers: ClinVar variation 1447888 (VCV001447888.7), dbSNP rs1346144497, ClinGen allele CA372793575.

ClinVar aggregate classification (germline): Uncertain significance. Review status: criteria provided, multiple submitters, no conflicts (2 of 4 stars). 2 submissions from 2 submitters: Uncertain significance (2). Last evaluated 2025-12-04.

Conditions:
Inborn genetic diseases. Identifiers: MedGen C0950123, MeSH D030342.

Allele frequency attached by ClinVar (database versions not stated): gnomAD exomes 0.00001; TOPMed 0.00001.
gnomAD v4.1: 3 of 1,614,128 alleles (0.00019%); highest among the groups gnomAD compares: Admixed American, 0.0017%; no homozygotes.

Submissions (2):

Ambry Genetics
Classification: Uncertain significance for Inborn genetic diseases. Last evaluated: 2025-12-04. Review status: criteria provided, single submitter. Criteria: Ambry Variant Classification Scheme 2023. Collection method: clinical testing. Allele origin: germline.

Labcorp Genetics (formerly Invitae), Labcorp
Classification: Uncertain significance. Last evaluated: 2021-12-02. Review status: criteria provided, single submitter. Criteria: Invitae Variant Classification Sherloc (09022015). Collection method: clinical testing. Allele origin: germline.
Comment: In summary, the available evidence is currently insufficient to determine the role of this variant in disease. Therefore, it has been classified as a Variant of Uncertain Significance. Algorithms developed to predict the effect of missense changes on protein structure and function are either unavailable or do not agree on the potential impact of this missense change (SIFT: "Not Available"; PolyPhen-2: "Benign"; Align-GVGD: "Not Available"). This variant has not been reported in the literature in individuals affected with VLDLR-related conditions. This variant is present in population databases (no rsID available, gnomAD 0.003%). This sequence change replaces isoleucine, which is neutral and non-polar, with threonine, which is neutral and polar, at codon 389 of the VLDLR protein (p.Ile389Thr).